The following is an entry in ClinVar:

ClinVar aggregate classification (germline): Likely benign. Review status: reviewed by expert panel (3 of 4 stars). 3 submissions from 3 submitters: Likely benign (1). 2 of the submissions do not count toward it. Last evaluated 2017-06-29.

Conditions:
Hereditary cancer-predisposing syndrome. Also called: Hereditary Cancer Syndrome; Neoplastic Syndromes, Hereditary; Tumor predisposition; Hereditary neoplastic syndrome. Identifiers: Orphanet 140162, MedGen C0027672, MeSH D009386, MONDO:0015356.
Breast-ovarian cancer, familial, susceptibility to, 2 (BROVCA2). Also called: BRCA2 Hereditary Breast and Ovarian Cancer. Identifiers: Orphanet 145, MedGen C2675520, MONDO:0012933, OMIM 612555. Disease mechanism: loss of function.
Hereditary breast ovarian cancer syndrome. Also called: Hereditary breast and/or ovarian cancer syndrome; BRCA1- and BRCA2-Associated Hereditary Breast and Ovarian Cancer; Hereditary breast and ovarian cancer syndrome (HBOC); Hereditary breast and ovarian cancer; Hereditary breast and ovarian cancer syndrome; Breast and ovarian cancer. Identifiers: Orphanet 145, MedGen C0677776, MeSH D061325, MONDO:0003582. Disease mechanism: loss of function.

Submissions (3):

Evidence-based Network for the Interpretation of Germline Mutant Alleles (ENIGMA)
Classification: Likely benign for Breast-ovarian cancer, familial, susceptibility to, 2. Last evaluated: 2017-06-29. Review status: reviewed by expert panel. Criteria: ENIGMA BRCA1/2 Classification Criteria (2017-06-29). Collection method: curation. Allele origin: germline.
Comment: Synonymous substitution variant, with low bioinformatic likelihood to result in a splicing aberration (Splicing prior probability 0.02).

Labcorp Genetics (formerly Invitae), Labcorp
Classification: Likely benign for Hereditary breast ovarian cancer syndrome. Last evaluated: 2025-12-17. Review status: criteria provided, single submitter. Criteria: Invitae Variant Classification Sherloc (09022015). Collection method: clinical testing. Allele origin: germline. Not counted in ClinVar's aggregate classification.

Ambry Genetics
Classification: Likely benign for Hereditary cancer-predisposing syndrome. Last evaluated: 2015-06-19. Review status: criteria provided, single submitter. Criteria: Ambry Variant Classification Scheme 2023. Collection method: clinical testing. Allele origin: germline. Not counted in ClinVar's aggregate classification.

NM_000059.4(BRCA2):c.10029A>G (p.Glu3343=)

Gene: BRCA2 (BRCA2 DNA repair associated; plus strand). Cytogenetic location: 13q13.1.
Variant type: single nucleotide variant.
Coding change: c.10029A>G on transcript NM_000059.4 (MANE Select); coding-DNA position 10029, A replaced by G.
Protein change: p.Glu3343=; no amino-acid change (glutamic acid 3343 retained).
Molecular consequence: synonymous variant.
Genome position (GRCh38, 1-based): chr13:32,398,542, A>G. VCF-style: chr13-32398542-A-G. GRCh37 (hg19) VCF-style: chr13-32972679-A-G.
Identifiers: ClinVar variation 232519 (VCV000232519.27), dbSNP rs876659817, ClinGen allele CA10579853.